The following is an entry in ClinVar:

ClinVar aggregate classification (germline): Pathogenic. Review status: criteria provided, multiple submitters, no conflicts (2 of 4 stars). 4 submissions from 4 submitters: Pathogenic (3). 1 of the submissions does not count toward it. Last evaluated 2025-01-08.

Conditions:
Wolfram syndrome 1 (WFS1). Identifiers: Orphanet 3463, MedGen C4551693, MONDO:0009101, OMIM 222300.

Allele frequency attached by ClinVar (database versions not stated): gnomAD 0.00001; TOPMed 0.00001; gnomAD exomes 0.00002.
gnomAD v4.1: 35 of 1,613,830 alleles (0.0022%); highest among the groups gnomAD compares: South Asian, 0.0044%; no homozygotes.

Submissions (4):

First Genomix Gene Laboratory, Genetic Diagnostics Department
Classification: Pathogenic for Wolfram syndrome 1. Last evaluated: 2025-01-08. Review status: criteria provided, single submitter. Criteria: ACMG Guidelines, 2015. Collection method: clinical testing. Allele origin: germline. Inheritance: Autosomal recessive inheritance. Affected: no. Observed: 1 variant allele.

Labcorp Genetics (formerly Invitae), Labcorp
Classification: Pathogenic. Last evaluated: 2023-06-22. Review status: criteria provided, single submitter. Criteria: Invitae Variant Classification Sherloc (09022015). Collection method: clinical testing. Allele origin: germline.
Comment: For these reasons, this variant has been classified as Pathogenic. This sequence change creates a premature translational stop signal (p.Trp648*) in the WFS1 gene. While this is not anticipated to result in nonsense mediated decay, it is expected to disrupt the last 243 amino acid(s) of the WFS1 protein. This variant is present in population databases (rs104893879, gnomAD 0.002%). This premature translational stop signal has been observed in individual(s) with autosomal recessive Wolfram syndrome (PMID: 8808601, 9771706, 10521293, 28432734). It has also been observed to segregate with disease in related individuals. This variant is also known as 2114G→A W648X. ClinVar contains an entry for this variant (Variation ID: 4511).

Clinical Genomics, Uppaluri K&H Personalized Medicine Clinic
Classification: Pathogenic for Wolfram syndrome 1. Review status: criteria provided, single submitter. Criteria: K & H Uppaluri Personalized Medicine Clinic Variant Classification & Assertion Criteria_Updated V.1. Collection method: research. Allele origin: unknown. Inheritance: Autosomal recessive inheritance.
Comment: Potent mutations in WFS1 gene are associated with Wolfram's syndrome, an autosomal recessive condition, which cause diabetes mellitus, diabetes insipidus, deafness and optic atrophy. However no sufficient evidence is found to ascertain the role of this particular variant rs104893879 in Wolfram's syndrome yet.

OMIM
Classification: Pathogenic for WOLFRAM SYNDROME 1. Last evaluated: 1998-10-01. Review status: no assertion criteria provided. Collection method: literature only. Allele origin: germline. Not counted in ClinVar's aggregate classification.

Literature cited by the submitters: PubMed 8808601 (cited by Labcorp Genetics (formerly Invitae), Labcorp); PubMed 9771706 (cited by Labcorp Genetics (formerly Invitae), Labcorp and OMIM); PubMed 10521293 (cited by Labcorp Genetics (formerly Invitae), Labcorp); PubMed 28432734 (cited by Labcorp Genetics (formerly Invitae), Labcorp); PubMed 20738327 (cited by Clinical Genomics, Uppaluri K&H Personalized Medicine Clinic); PubMed 33879153 (cited by Clinical Genomics, Uppaluri K&H Personalized Medicine Clinic); PubMed 12955714 (cited by Clinical Genomics, Uppaluri K&H Personalized Medicine Clinic); PubMed 18060660 (cited by Clinical Genomics, Uppaluri K&H Personalized Medicine Clinic); PubMed 20301750 (cited by Clinical Genomics, Uppaluri K&H Personalized Medicine Clinic); PubMed 17603484 (cited by Clinical Genomics, Uppaluri K&H Personalized Medicine Clinic).

NM_006005.3(WFS1):c.1944G>A (p.Trp648Ter)

Gene: WFS1 (wolframin ER transmembrane glycoprotein; plus strand). Cytogenetic location: 4p16.1.
Variant type: single nucleotide variant.
Coding change: c.1944G>A on transcript NM_006005.3 (MANE Select); coding-DNA position 1944, G replaced by A.
Protein change: p.Trp648Ter; replaces tryptophan 648 with a stop codon.
Molecular consequence: nonsense.
Genome position (GRCh38, 1-based): chr4:6,301,739, G>A. VCF-style: chr4-6301739-G-A. GRCh37 (hg19) VCF-style: chr4-6303466-G-A.
Other names: c.1944G>A, p.Trp648Ter (NM_001145853.1); short protein forms W648*.
Identifiers: ClinVar variation 4511 (VCV000004511.12), dbSNP rs104893879, ClinGen allele CA253188.
Genomic context (GRCh38, chr4:6,301,739, plus strand): 5'-GCGGAGCTCCATGGTCAAGCTCATCCTGGTGTGGCTCACGGCCATCGTGCTGTTCTGCTG[G>A]TTCTATGTGTACCGCTCAGAGGGCATGAAGGTCTACAACTCCACACTGACCTGGCAGCAG-3'